The following is an entry in ClinVar:

ClinVar aggregate classification (germline): Conflicting classifications of pathogenicity. Review status: criteria provided, conflicting classifications (1 of 4 stars). 3 submissions from 3 submitters: Uncertain significance (2); Likely benign (1). Last evaluated 2025-06-12.

Allele frequency attached by ClinVar (database versions not stated): TOPMed 0.00005; gnomAD 0.00006; ExAC 0.00007; gnomAD exomes 0.00012; 1000 Genomes Project 30x 0.00031; ESP Exome Variant Server 0.00016.
gnomAD v4.1: 176 of 1,613,986 alleles (0.011%); highest among the groups gnomAD compares: Non-Finnish European, 0.014%; no homozygotes.

Submissions (3):

GeneDx
Classification: Uncertain significance. Last evaluated: 2025-06-12. Review status: criteria provided, single submitter. Criteria: GeneDx Variant Classification Process June 2021. Collection method: clinical testing. Allele origin: germline. Affected: yes.
Comment: Identified in a patient with hearing loss and co-occurring with a pathogenic variant and other variants of uncertain significance in additional genes in published literature (PMID: 36672845); In silico analysis supports that this missense variant has a deleterious effect on protein structure/function; In silico analysis suggests this variant may impact gene splicing. In the absence of RNA/functional studies, the actual effect of this sequence change is unknown.; This variant is associated with the following publications: (PMID: 36672845)

Labcorp Genetics (formerly Invitae), Labcorp
Classification: Likely benign. Last evaluated: 2024-02-03. Review status: criteria provided, single submitter. Criteria: Invitae Variant Classification Sherloc (09022015). Collection method: clinical testing. Allele origin: germline.

Blueprint Genetics
Classification: Uncertain significance. Last evaluated: 2023-09-06. Review status: criteria provided, single submitter. Criteria: ACMG Guidelines, 2015. Collection method: clinical testing. Allele origin: germline.

NM_016239.4(MYO15A):c.9493C>T (p.Arg3165Trp)

Gene: MYO15A (myosin XVA; plus strand). Cytogenetic location: 17p11.2.
Variant type: single nucleotide variant.
Coding change: c.9493C>T on transcript NM_016239.4 (MANE Select); coding-DNA position 9493, C replaced by T.
Protein change: p.Arg3165Trp; replaces arginine 3165 with tryptophan.
Molecular consequence: missense variant.
Genome position (GRCh38, 1-based): chr17:18,161,423, C>T. VCF-style: chr17-18161423-C-T. GRCh37 (hg19) VCF-style: chr17-18064737-C-T.
Other names: c.9493C>T (NM_016239.3); short protein forms R3165W.
Identifiers: ClinVar variation 2721996 (VCV002721996.5), dbSNP rs200983910, ClinGen allele CA8425565.